The following is an entry in ClinVar:

NM_205836.3(FBXO38):c.2050G>T (p.Asp684Tyr)

Gene: FBXO38 (F-box protein 38; plus strand). Cytogenetic location: 5q32.
Variant type: single nucleotide variant.
Coding change: c.2050G>T on transcript NM_205836.3 (MANE Select); coding-DNA position 2050, G replaced by T.
Protein change: p.Asp684Tyr; replaces aspartic acid 684 with tyrosine.
Molecular consequence: missense variant. On other transcripts: intron variant (1).
Genome position (GRCh38, 1-based): chr5:148,427,344, G>T. VCF-style: chr5-148427344-G-T. GRCh37 (hg19) VCF-style: chr5-147806907-G-T.
Other names: c.2050G>T, p.Asp684Tyr (NM_030793.5); c.1918+1643G>T (NM_001271723.2); c.2050G>T (NM_030793.4); short protein forms D684Y.
Identifiers: ClinVar variation 2819164 (VCV002819164.4), dbSNP rs1375697931, ClinGen allele CA361656683.

ClinVar aggregate classification (germline): Uncertain significance. Review status: criteria provided, multiple submitters, no conflicts (2 of 4 stars). 2 submissions from 2 submitters: Uncertain significance (2). Last evaluated 2025-05-29.

Conditions:
Distal hereditary motor neuropathy type 2. Identifiers: Orphanet 139525, MedGen C3711384, MeSH C580044, MONDO:0015352.

Allele frequency attached by ClinVar (database versions not stated): gnomAD exomes below 0.00001.
gnomAD v4.1: 2 of 1,614,106 alleles (0.00012%); highest among the groups gnomAD compares: East Asian, 0.0022%; no homozygotes.

Submissions (2):

GeneDx
Classification: Uncertain significance. Last evaluated: 2025-05-29. Review status: criteria provided, single submitter. Criteria: GeneDx Variant Classification Process June 2021. Collection method: clinical testing. Allele origin: germline. Affected: yes.
Comment: Not observed at significant frequency in large population cohorts (gnomAD); In silico analysis supports that this missense variant has a deleterious effect on protein structure/function; Has not been previously published as pathogenic or benign to our knowledge

Labcorp Genetics (formerly Invitae), Labcorp
Classification: Uncertain significance for Distal hereditary motor neuropathy type 2. Last evaluated: 2022-12-07. Review status: criteria provided, single submitter. Criteria: Invitae Variant Classification Sherloc (09022015). Collection method: clinical testing. Allele origin: germline.
Comment: In summary, the available evidence is currently insufficient to determine the role of this variant in disease. Therefore, it has been classified as a Variant of Uncertain Significance. Advanced modeling of protein sequence and biophysical properties (such as structural, functional, and spatial information, amino acid conservation, physicochemical variation, residue mobility, and thermodynamic stability) has been performed at Invitae for this missense variant, however the output from this modeling did not meet the statistical confidence thresholds required to predict the impact of this variant on FBXO38 protein function. This variant has not been reported in the literature in individuals affected with FBXO38-related conditions. The frequency data for this variant in the population databases is considered unreliable, as metrics indicate poor data quality at this position in the gnomAD database. This sequence change replaces aspartic acid, which is acidic and polar, with tyrosine, which is neutral and polar, at codon 684 of the FBXO38 protein (p.Asp684Tyr).